The following is an entry in ClinVar:

ClinVar aggregate classification (germline): Conflicting classifications of pathogenicity. Review status: criteria provided, conflicting classifications (1 of 4 stars). 2 submissions from 2 submitters: Pathogenic (1); Uncertain significance (1). Last evaluated 2025-12-15.

Conditions:
Sessile serrated polyposis cancer syndrome (SSPCS). Identifiers: Orphanet 157798, MedGen C4310714, MONDO:0014919, OMIM 617108.

gnomAD v4.1: 10 of 1,594,410 alleles (0.00063%); highest among the groups gnomAD compares: East Asian, 0.016%; no homozygotes.

Submissions (2):

Myriad Genetics, Inc.
Classification: Pathogenic for Sessile serrated polyposis cancer syndrome. Last evaluated: 2025-12-15. Review status: criteria provided, single submitter. Criteria: Myriad Autosomal Dominant, Autosomal Recessive and X-Linked Classification Criteria (2023). Collection method: clinical testing. Allele origin: unknown.
Comment: This variant is considered pathogenic. This variant creates a termination codon and is predicted to result in premature protein truncation.

Ambry Genetics
Classification: Uncertain significance. Last evaluated: 2025-06-25. Review status: criteria provided, single submitter. Criteria: Ambry Variant Classification Scheme 2023. Collection method: clinical testing. Allele origin: germline.
Comment: The p.Q586* variant (also known as c.1756C>T), located in coding exon 8 of the RNF43 gene, results from a C to T substitution at nucleotide position 1756. This changes the amino acid from a glutamine to a stop codon within coding exon 8. This alteration is expected to result in loss of function by premature protein truncation or nonsense-mediated mRNA decay. The evidence for this gene-disease relationship is limited; therefore, the clinical significance of this alteration is unclear.

NM_017763.6(RNF43):c.1756C>T (p.Gln586Ter)

Gene: RNF43 (ring finger protein 43; minus strand). Cytogenetic location: 17q22.
Variant type: single nucleotide variant.
Coding change: c.1756C>T on transcript NM_017763.6 (MANE Select); coding-DNA position 1756, C replaced by T.
Protein change: p.Gln586Ter; replaces glutamine 586 with a stop codon.
Molecular consequence: nonsense.
Genome position (GRCh38, 1-based): chr17:58,358,020, G>A on the plus strand (C>T on the coding strand, the complement: RNF43 is on the minus strand). VCF-style: chr17-58358020-G-A. GRCh37 (hg19) VCF-style: chr17-56435381-G-A.
Other names: c.1756C>T, p.Gln586Ter (NM_001305544.3, NM_001438820.1, NM_001438821.1 and 1 more transcripts); c.1375C>T, p.Gln459Ter (NM_001305545.2, NM_001437987.1); short protein forms Q459*, Q586*.
Identifiers: ClinVar variation 4155732 (VCV004155732.2).